The following is an entry in ClinVar:

ClinVar aggregate classification (germline): Pathogenic (1 of 4 stars; one submission).

Allele frequency attached by ClinVar (database versions not stated): gnomAD exomes below 0.00001; gnomAD 0.00001.
gnomAD v4.1: 5 of 1,613,874 alleles (0.00031%); highest among the groups gnomAD compares: African/African-American, 0.0013%; no homozygotes.

Submission:

Labcorp Genetics (formerly Invitae), Labcorp
Classification: Pathogenic. Last evaluated: 2025-10-07. Review status: criteria provided, single submitter. Criteria: Invitae Variant Classification Sherloc (09022015). Collection method: clinical testing. Allele origin: germline.
Comment: This sequence change creates a premature translational stop signal (p.Lys2555*) in the ADGRV1 gene. It is expected to result in an absent or disrupted protein product. Loss-of-function variants in ADGRV1 are known to be pathogenic (PMID: 19357117, 22135276, 22147658, 26226137, 30718709, 31047384, 32467589). This variant is present in population databases (no rsID available, gnomAD 0.004%). This variant has not been reported in the literature in individuals affected with ADGRV1-related conditions. ClinVar contains an entry for this variant (Variation ID: 2095270). For these reasons, this variant has been classified as Pathogenic.

Literature cited by the submitters: PubMed 19357117; PubMed 22135276; PubMed 22147658; PubMed 26226137; PubMed 30718709; PubMed 31047384; PubMed 32467589.

NM_032119.4(ADGRV1):c.7663A>T (p.Lys2555Ter)

Gene: ADGRV1 (adhesion G protein-coupled receptor V1; plus strand). Cytogenetic location: 5q14.3.
Variant type: single nucleotide variant.
Coding change: c.7663A>T on transcript NM_032119.4 (MANE Select); coding-DNA position 7663, A replaced by T.
Protein change: p.Lys2555Ter; replaces lysine 2555 with a stop codon.
Molecular consequence: nonsense. On other transcripts: non-coding transcript variant (1).
Genome position (GRCh38, 1-based): chr5:90,694,419, A>T. VCF-style: chr5-90694419-A-T. GRCh37 (hg19) VCF-style: chr5-89990236-A-T.
Other names: short protein forms K2555*.
Identifiers: ClinVar variation 2095270 (VCV002095270.4), dbSNP rs1244011928, ClinGen allele CA360380261.